The following is an entry in ClinVar:

ClinVar aggregate classification (germline): Likely benign (1 of 4 stars; one submission).

Allele frequency attached by ClinVar (database versions not stated): 1000 Genomes Project 0.00060; 1000 Genomes Project 30x 0.00094; gnomAD exomes 0.00157.
gnomAD v4.1: 380 of 166,000 alleles (0.23%); highest among the groups gnomAD compares: Non-Finnish European, 0.38%; 1 homozygote.

Submission:

CeGaT Center for Human Genetics Tuebingen
Classification: Likely benign. Last evaluated: 2026-08-01. Review status: criteria provided, single submitter. Criteria: CeGaT Center For Human Genetics Tuebingen Variant Classification Criteria Version 2. Collection method: clinical testing. Allele origin: germline. Affected: yes. Observed: 8 variant alleles.
Comment: POT1: BS2

NM_015450.3(POT1):c.*998G>A

Gene: POT1 (protection of telomeres 1; minus strand). Cytogenetic location: 7q31.33.
Variant type: single nucleotide variant.
Coding change: c.*998G>A on transcript NM_015450.3 (MANE Select); 998 bases downstream of the stop codon, G replaced by A.
Molecular consequence: 3 prime UTR variant. On other transcripts: non-coding transcript variant (3).
Genome position (GRCh38, 1-based): chr7:124,822,964, C>T on the plus strand (G>A on the coding strand, the complement: POT1 is on the minus strand). VCF-style: chr7-124822964-C-T. GRCh37 (hg19) VCF-style: chr7-124463018-C-T.
Other names: c.*998G>A (NM_001042594.2).
Identifiers: ClinVar variation 2657976 (VCV002657976.24), dbSNP rs530211997, ClinGen allele CA166091191.